The following is an entry in ClinVar:

ClinVar aggregate classification (germline): Conflicting classifications of pathogenicity. Review status: criteria provided, conflicting classifications (1 of 4 stars). 6 submissions from 6 submitters: Uncertain significance (5); Likely benign (1). Last evaluated 2025-12-15.

Conditions:
Hereditary cancer-predisposing syndrome. Also called: Neoplastic Syndromes, Hereditary; Hereditary Cancer Syndrome; Hereditary neoplastic syndrome; Tumor predisposition. Identifiers: Orphanet 140162, MedGen C0027672, MeSH D009386, MONDO:0015356.
Facial dysmorphism-immunodeficiency-livedo-short stature syndrome. Also called: Facial dysmorphism, immunodeficiency, livedo, and short stature; FILS syndrome. Identifiers: Orphanet 352712, MedGen C3554576, MONDO:0014058, OMIM 615139.
Colorectal cancer, susceptibility to, 12 (CRCS12). Also called: COLORECTAL CANCER, SUSCEPTIBILITY TO, ON CHROMOSOME 12q24. Identifiers: Orphanet 220460, MedGen C3554460, MONDO:0014038, OMIM 615083.
Intrauterine growth retardation, metaphyseal dysplasia, adrenal hypoplasia congenita, genital anomalies, and immunodeficiency. Also called: IMAGEI SYNDROME. Identifiers: MedGen C5193036, MONDO:0032684, OMIM 618336.

Allele frequency attached by ClinVar (database versions not stated): gnomAD exomes below 0.00001; TOPMed 0.00002.
gnomAD v4.1: 17 of 1,613,904 alleles (0.0011%); highest among the groups gnomAD compares: Middle Eastern, 0.16%; no homozygotes.

Submissions (6):

Labcorp Genetics (formerly Invitae), Labcorp
Classification: Uncertain significance. Last evaluated: 2025-12-15. Review status: criteria provided, single submitter. Criteria: Invitae Variant Classification Sherloc (09022015). Collection method: clinical testing. Allele origin: germline.
Comment: This sequence change replaces lysine, which is basic and polar, with arginine, which is basic and polar, at codon 795 of the POLE protein (p.Lys795Arg). This variant is present in population databases (no rsID available, gnomAD 0.003%). This variant has not been reported in the literature in individuals affected with POLE-related conditions. ClinVar contains an entry for this variant (Variation ID: 540644). Invitae Evidence Modeling of protein sequence and biophysical properties (such as structural, functional, and spatial information, amino acid conservation, physicochemical variation, residue mobility, and thermodynamic stability) indicates that this missense variant is not expected to disrupt POLE protein function with a negative predictive value of 80%. In summary, the available evidence is currently insufficient to determine the role of this variant in disease. Therefore, it has been classified as a Variant of Uncertain Significance.

GeneDx
Classification: Uncertain significance. Last evaluated: 2025-09-30. Review status: criteria provided, single submitter. Criteria: GeneDx Variant Classification Process June 2021. Collection method: clinical testing. Allele origin: germline. Affected: yes.
Comment: Not observed at significant frequency in large population cohorts (gnomAD); In silico analysis suggests that this missense variant does not alter protein structure/function; Has not been previously published as pathogenic or benign to our knowledge; This variant is associated with the following publications: (PMID: 29056344, 20951805)

Center for Genomic Medicine, Rigshospitalet, Copenhagen University Hospital
Classification: Uncertain significance. Last evaluated: 2025-03-04. Review status: criteria provided, single submitter. Criteria: ACMG Guidelines, 2015. Collection method: clinical testing. Allele origin: germline.

Revvity Omics, Revvity
Classification: Uncertain significance. Last evaluated: 2023-12-27. Review status: criteria provided, single submitter. Criteria: ACMG Guidelines, 2015. Collection method: clinical testing. Allele origin: germline.

Fulgent Genetics
Classification: Uncertain significance for Colorectal cancer, susceptibility to, 12; Facial dysmorphism-immunodeficiency-livedo-short stature syndrome; Intrauterine growth retardation, metaphyseal dysplasia, adrenal hypoplasia congenita, genital anomalies, and immunodeficiency. Last evaluated: 2022-05-25. Review status: criteria provided, single submitter. Criteria: ACMG Guidelines, 2015. Collection method: clinical testing. Allele origin: unknown.

Ambry Genetics
Classification: Likely benign for Hereditary cancer-predisposing syndrome. Last evaluated: 2021-08-24. Review status: criteria provided, single submitter. Criteria: Ambry Variant Classification Scheme 2023. Collection method: clinical testing. Allele origin: germline.

NM_006231.4(POLE):c.2384A>G (p.Lys795Arg)

Gene: POLE (DNA polymerase epsilon, catalytic subunit; minus strand). Cytogenetic location: 12q24.33.
Variant type: single nucleotide variant.
Coding change: c.2384A>G on transcript NM_006231.4 (MANE Select); coding-DNA position 2384, A replaced by G.
Protein change: p.Lys795Arg; replaces lysine 795 with arginine.
Molecular consequence: missense variant.
Genome position (GRCh38, 1-based): chr12:132,665,386, T>C on the plus strand (A>G on the coding strand, the complement: POLE is on the minus strand). VCF-style: chr12-132665386-T-C. GRCh37 (hg19) VCF-style: chr12-133241972-T-C.
Other names: short protein forms K795R.
Identifiers: ClinVar variation 540644 (VCV000540644.28), dbSNP rs867677414, ClinGen allele CA500028.
Genomic context (GRCh38, chr12:132,665,386, plus strand): 5'-AAGGAGTTCAGGATGCACTTGTGGGCCAGCTGCAGCGAGTCATACAGCACCTCCATGTTC[T>C]TGCAGCGCTTCACCTCAGCCGCGTCGCCCACCTCCACGGCCGCCGAGAGCTTCTTTTTCC-3'
Protein context (NP_006222.2, residues 785-805): VGDAAEVKRC[Lys795Arg]NMEVLYDSLQ